The following is an entry in ClinVar:

ClinVar aggregate classification (germline): Pathogenic (1 of 4 stars; one submission).

Conditions:
Marfan syndrome (MFS). Also called: MARFAN SYNDROME, TYPE I; Marfan syndrome type 1; Marfan's syndrome; Marfan syndrome, classic; FBN1-Related Marfan Syndrome. Identifiers: Orphanet 284963, Orphanet 558, MedGen C0024796, MONDO:0007947, OMIM 154700.
Familial thoracic aortic aneurysm and aortic dissection (TAAD). Also called: Thoracic aortic aneurysms and dissections. Identifiers: Orphanet 91387, MedGen C4707243, MONDO:0019625.

Submission:

Labcorp Genetics (formerly Invitae), Labcorp
Classification: Pathogenic for Marfan syndrome; Familial thoracic aortic aneurysm and aortic dissection. Last evaluated: 2021-03-17. Review status: criteria provided, single submitter. Criteria: Invitae Variant Classification Sherloc (09022015). Collection method: clinical testing. Allele origin: germline.
Comment: For these reasons, this variant has been classified as Pathogenic. This variant has not been reported in the literature in individuals with FBN1-related conditions. This variant is not present in population databases (ExAC no frequency). This sequence change creates a premature translational stop signal (p.Thr2440Leufs*4) in the FBN1 gene. It is expected to result in an absent or disrupted protein product. Loss-of-function variants in FBN1 are known to be pathogenic (PMID: 17657824, 19293843).

Literature cited by the submitters: PubMed 17657824; PubMed 19293843.

NM_000138.5(FBN1):c.7314del (p.Thr2440fs)

Gene: FBN1 (fibrillin 1; minus strand). Cytogenetic location: 15q21.1.
Variant type: Deletion.
Coding change: c.7314del on transcript NM_000138.5 (MANE Select); coding-DNA position 7314, one base deleted (T; older notation c.7314delT).
Protein change: p.Thr2440fs; shifts the reading frame from threonine 2440.
Molecular consequence: frameshift variant.
Genome position (GRCh38, 1-based): chr15:48,425,755, A deleted on the plus strand (T on the coding strand, the reverse complement: FBN1 is on the minus strand). VCF-style (leftmost placement, unchanged base first): chr15-48425754-CA-C. GRCh37 (hg19) VCF-style: chr15-48717951-CA-C.
Other names: short protein forms T2440fs.
Identifiers: ClinVar variation 1456156 (VCV001456156.6), dbSNP rs2141226866, ClinGen allele CA2573150938.
Genomic context (GRCh38, chr15:48,425,754, plus strand): 5'-CTAAAATTTCCACTTGAGGATAAGCCATCAGAAATAGACACTTACCTACACAGGAAGTCC[CA>C]GTTATATCTGGAGTGTACCCAGTTTTACAAATGCAATGATATGATCCTCTGTCATTGACA-3'